The following is an entry in ClinVar:

NM_139076.3(ABRAXAS1):c.1001A>G (p.Glu334Gly)

Gene: ABRAXAS1 (abraxas 1, BRCA1 A complex subunit; minus strand). Cytogenetic location: 4q21.23.
Variant type: single nucleotide variant.
Coding change: c.1001A>G on transcript NM_139076.3 (MANE Select); coding-DNA position 1001, A replaced by G.
Protein change: p.Glu334Gly; replaces glutamic acid 334 with glycine.
Molecular consequence: missense variant.
Genome position (GRCh38, 1-based): chr4:83,462,698, T>C on the plus strand (A>G on the coding strand, the complement: ABRAXAS1 is on the minus strand). VCF-style: chr4-83462698-T-C. GRCh37 (hg19) VCF-style: chr4-84383851-T-C.
Other names: c.674A>G, p.Glu225Gly (NM_001345962.2); short protein forms E334G, E225G.
Identifiers: ClinVar variation 3799221 (VCV003799221.1).

ClinVar aggregate classification (germline): Uncertain significance (1 of 4 stars; one submission).

Submission:

Ambry Genetics
Classification: Uncertain significance. Last evaluated: 2025-02-13. Review status: criteria provided, single submitter. Criteria: Ambry Variant Classification Scheme 2023. Collection method: clinical testing. Allele origin: germline.
Comment: The p.E334G variant (also known as c.1001A>G), located in coding exon 9 of the FAM175A gene, results from an A to G substitution at nucleotide position 1001. The glutamic acid at codon 334 is replaced by glycine, an amino acid with similar properties. This amino acid position is conserved. In addition, this alteration is predicted to be tolerated by in silico analysis. Based on the available evidence, the clinical significance of this variant remains unclear.